The following is an entry in ClinVar:

NM_170707.4(LMNA):c.1489-3_1491dup

Gene: LMNA (lamin A/C; plus strand). Cytogenetic location: 1q22.
Variant type: Duplication.
Coding change: c.1489-3_1491dup on transcript NM_170707.4 (MANE Select); 3 bases into the intron before coding-DNA position 1489 through coding-DNA position 1491, 6 bases duplicated (CAGATC; older notation c.1489-3_1491dupCAGATC).
Molecular consequence: splice acceptor variant.
Genome position (GRCh38, 1-based): chr1:156,137,110-156,137,115, CAGATC duplicated; duplicating any 6 consecutive bases within chr1:156,137,108-156,137,115 gives the same sequence; the c. name uses the placement nearest the transcript's 3' end. VCF-style (leftmost placement, unchanged base first): chr1-156137107-C-CTCCAGA. GRCh37 (hg19) VCF-style: chr1-156106898-C-CTCCAGA.
Other names: c.1489-3_1491dup (NM_001406983.1, NM_001282625.2, NM_001406984.1 and 6 more transcripts); c.931-3_933dup (NM_001407002.1, NM_001406993.1, NM_001407003.1 and 4 more transcripts); c.865-3_867dup (NM_001406999.1, NM_001407000.1, NM_001406994.1 and 1 more transcripts); c.1246-3_1248dup (NM_001406986.1, NM_001406987.1, NM_001282624.2); c.1153-3_1155dup (NM_001406989.1, NM_001257374.3, NM_001406998.1); c.1192-3_1194dup (NM_001406988.1).
Identifiers: ClinVar variation 4712428 (VCV004712428.1).

ClinVar aggregate classification (germline): Uncertain significance (1 of 4 stars; one submission).

Conditions:
Charcot-Marie-Tooth disease type 2. Also called: Charcot-Marie-Tooth type 2. Identifiers: Orphanet 64746, MedGen C0270914, MONDO:0018993.

Submission:

Labcorp Genetics (formerly Invitae), Labcorp
Classification: Uncertain significance for Charcot-Marie-Tooth disease type 2. Last evaluated: 2025-10-28. Review status: criteria provided, single submitter. Criteria: Invitae Variant Classification Sherloc (09022015). Collection method: clinical testing. Allele origin: germline.
Comment: This sequence change falls in intron 8 of the LMNA gene. It does not directly change the encoded amino acid sequence of the LMNA protein. This variant is not present in population databases (gnomAD no frequency). This variant has not been reported in the literature in individuals affected with LMNA-related conditions. Experimental studies and prediction algorithms are not available or were not evaluated, and the effect of this variant on mRNA splicing is currently unknown. In summary, the available evidence is currently insufficient to determine the role of this variant in disease. Therefore, it has been classified as a Variant of Uncertain Significance.